The following is an entry in ClinVar:

NM_031935.3(HMCN1):c.5343C>A (p.Phe1781Leu)

Gene: HMCN1 (hemicentin 1; plus strand). Cytogenetic location: 1q31.1.
Variant type: single nucleotide variant.
Coding change: c.5343C>A on transcript NM_031935.3 (MANE Select); coding-DNA position 5343, C replaced by A.
Protein change: p.Phe1781Leu; replaces phenylalanine 1781 with leucine.
Molecular consequence: missense variant.
Genome position (GRCh38, 1-based): chr1:186,018,225, C>A. VCF-style: chr1-186018225-C-A. GRCh37 (hg19) VCF-style: chr1-185987357-C-A.
Other names: short protein forms F1781L.
Identifiers: ClinVar variation 2898180 (VCV002898180.3), dbSNP rs1294234054, ClinGen allele CA343890705.
Genomic context (GRCh38, chr1:186,018,225, plus strand): 5'-TTTTGCCTTTTTCTATAGGTGGCTGAAGGATGGCCAGTTAATTGATGAAAGGGATGGATT[C>A]AAGATTTTATTAAATGGACGCAAACTGGTTATTGCTCAGGCTCAAGTGTCAAACACAGGC-3'
Protein context (NP_114141.2, residues 1771-1791): DGQLIDERDG[Phe1781Leu]KILLNGRKLV

ClinVar aggregate classification (germline): Uncertain significance (1 of 4 stars; one submission).

Allele frequency attached by ClinVar (database versions not stated): TOPMed below 0.00001; gnomAD 0.00001; gnomAD exomes 0.00001.
gnomAD v4.1: 7 of 1,612,668 alleles (0.00043%); highest among the groups gnomAD compares: Non-Finnish European, 0.00059%; no homozygotes.

Submission:

Labcorp Genetics (formerly Invitae), Labcorp
Classification: Uncertain significance. Last evaluated: 2023-08-03. Review status: criteria provided, single submitter. Criteria: Invitae Variant Classification Sherloc (09022015). Collection method: clinical testing. Allele origin: germline.
Comment: An algorithm developed to predict the effect of missense changes on protein structure and function (PolyPhen-2) suggests that this variant is likely to be tolerated. In summary, the available evidence is currently insufficient to determine the role of this variant in disease. Therefore, it has been classified as a Variant of Uncertain Significance. This variant has not been reported in the literature in individuals affected with HMCN1-related conditions. This variant is present in population databases (no rsID available, gnomAD 0.002%). This sequence change replaces phenylalanine, which is neutral and non-polar, with leucine, which is neutral and non-polar, at codon 1781 of the HMCN1 protein (p.Phe1781Leu).